The following is an entry in ClinVar:

ClinVar aggregate classification (germline): Uncertain significance. Review status: criteria provided, multiple submitters, no conflicts (2 of 4 stars). 2 submissions from 2 submitters: Uncertain significance (2). Last evaluated 2024-03-26.

Conditions:
Inborn genetic diseases. Identifiers: MedGen C0950123, MeSH D030342.

Allele frequency attached by ClinVar (database versions not stated): gnomAD 0.00001; gnomAD exomes 0.00001; TOPMed 0.00001.
gnomAD v4.1: 4 of 1,612,722 alleles (0.00025%); highest among the groups gnomAD compares: East Asian, 0.0089%; no homozygotes.

Submissions (2):

Ambry Genetics
Classification: Uncertain significance for Inborn genetic diseases. Last evaluated: 2024-03-26. Review status: criteria provided, single submitter. Criteria: Ambry Variant Classification Scheme 2023. Collection method: clinical testing. Allele origin: germline.

Labcorp Genetics (formerly Invitae), Labcorp
Classification: Uncertain significance. Last evaluated: 2024-01-31. Review status: criteria provided, single submitter. Criteria: Invitae Variant Classification Sherloc (09022015). Collection method: clinical testing. Allele origin: germline.
Comment: This sequence change replaces threonine, which is neutral and polar, with alanine, which is neutral and non-polar, at codon 675 of the RBP3 protein (p.Thr675Ala). This variant is present in population databases (no rsID available, gnomAD 0.02%). This variant has not been reported in the literature in individuals affected with RBP3-related conditions. ClinVar contains an entry for this variant (Variation ID: 845988). An algorithm developed to predict the effect of missense changes on protein structure and function (PolyPhen-2) suggests that this variant is likely to be tolerated. In summary, the available evidence is currently insufficient to determine the role of this variant in disease. Therefore, it has been classified as a Variant of Uncertain Significance.

NM_002900.3(RBP3):c.2023A>G (p.Thr675Ala)

Gene: RBP3 (retinol binding protein 3; plus strand). Cytogenetic location: 10q11.22.
Variant type: single nucleotide variant.
Coding change: c.2023A>G on transcript NM_002900.3 (MANE Select); coding-DNA position 2023, A replaced by G.
Protein change: p.Thr675Ala; replaces threonine 675 with alanine.
Molecular consequence: missense variant.
Genome position (GRCh38, 1-based): chr10:47,350,507, A>G. VCF-style: chr10-47350507-A-G. GRCh37 (hg19) VCF-style: chr10-48388855-T-C.
Other names: short protein forms T675A.
Identifiers: ClinVar variation 845988 (VCV000845988.10), dbSNP rs1192156226, ClinGen allele CA376671933.